The following is an entry in ClinVar:

NM_002299.4(LCT):c.27dup (p.Ile10fs)

Gene: LCT (lactase; minus strand). Cytogenetic location: 2q21.3.
Variant type: Duplication.
Coding change: c.27dup on transcript NM_002299.4 (MANE Select); coding-DNA position 27, one base duplicated (T; older notation c.27dupT).
Protein change: p.Ile10fs; shifts the reading frame from isoleucine 10.
Molecular consequence: frameshift variant.
Genome position (GRCh38, 1-based): chr2:135,837,143, A duplicated on the plus strand (T on the coding strand, the reverse complement: LCT is on the minus strand); the first of 3 consecutive A bases (chr2:135,837,143-135,837,145); duplicating any one gives the same sequence. VCF-style (leftmost placement, unchanged base first): chr2-135837142-T-TA. GRCh37 (hg19) VCF-style: chr2-136594712-T-TA.
Other names: short protein forms I10fs.
Identifiers: ClinVar variation 2994732 (VCV002994732.3), dbSNP rs1408682771, ClinGen allele CA536397900.

ClinVar aggregate classification (germline): Pathogenic (1 of 4 stars; one submission).

Submission:

Labcorp Genetics (formerly Invitae), Labcorp
Classification: Pathogenic. Last evaluated: 2024-10-13. Review status: criteria provided, single submitter. Criteria: Invitae Variant Classification Sherloc (09022015). Collection method: clinical testing. Allele origin: germline.
Comment: This sequence change creates a premature translational stop signal (p.Ile10Tyrfs*16) in the LCT gene. It is expected to result in an absent or disrupted protein product. Loss-of-function variants in LCT are known to be pathogenic (PMID: 16400612, 25881162). This variant is present in population databases (no rsID available, gnomAD 0.007%). This variant has not been reported in the literature in individuals affected with LCT-related conditions. For these reasons, this variant has been classified as Pathogenic.

Literature cited by the submitters: PubMed 16400612; PubMed 25881162.